The following is an entry in ClinVar:

NM_001018115.3(FANCD2):c.1078del (p.Ile360fs)

Genes: FANCD2 (FA complementation group D2; plus strand), LOC107303338 (3p25 FANCD2 Alu-mediated recombination region; plus strand). Cytogenetic location: 3p25.3.
Variant type: Deletion.
Coding change: c.1078del on transcript NM_001018115.3 (MANE Select); coding-DNA position 1078, one base deleted (A; older notation c.1078delA).
Protein change: p.Ile360fs; shifts the reading frame from isoleucine 360.
Molecular consequence: frameshift variant.
Genome position (GRCh38, 1-based): chr3:10,043,572, A deleted. VCF-style (leftmost placement, unchanged base first): chr3-10043571-CA-C. GRCh37 (hg19) VCF-style: chr3-10085255-CA-C.
Other names: c.1078del, p.Ile360fs (NM_001319984.2, NM_001374253.1, NM_001374254.1 and 1 more transcripts); short protein forms I360fs.
Identifiers: ClinVar variation 2804382 (VCV002804382.3), dbSNP rs2086920799, ClinGen allele CA1044979429.

ClinVar aggregate classification (germline): Pathogenic (1 of 4 stars; one submission).

Conditions:
Fanconi anemia (FA). Also called: Fanconi's anemia. Identifiers: Orphanet 84, MedGen C0015625, MeSH D005199, MONDO:0019391.

Allele frequency attached by ClinVar (database versions not stated): TOPMed below 0.00001; gnomAD 0.00001.

Submission:

Labcorp Genetics (formerly Invitae), Labcorp
Classification: Pathogenic for Fanconi anemia. Last evaluated: 2023-05-01. Review status: criteria provided, single submitter. Criteria: Invitae Variant Classification Sherloc (09022015). Collection method: clinical testing. Allele origin: germline.
Comment: This variant has not been reported in the literature in individuals affected with FANCD2-related conditions. For these reasons, this variant has been classified as Pathogenic. This variant is not present in population databases (gnomAD no frequency). This sequence change creates a premature translational stop signal (p.Ile360Phefs*24) in the FANCD2 gene. It is expected to result in an absent or disrupted protein product. Loss-of-function variants in FANCD2 are known to be pathogenic (PMID: 17436244).

Literature cited by the submitters: PubMed 17436244.